The following is an entry in ClinVar:

NM_000059.4(BRCA2):c.756del (p.Asp252fs)

Gene: BRCA2 (BRCA2 DNA repair associated; plus strand). Cytogenetic location: 13q13.1.
Variant type: Deletion.
Coding change: c.756del on transcript NM_000059.4 (MANE Select); coding-DNA position 756, one base deleted (C; older notation c.756delC).
Protein change: p.Asp252fs; shifts the reading frame from aspartic acid 252.
Molecular consequence: frameshift variant. On other transcripts: non-coding transcript variant (1).
Genome position (GRCh38, 1-based): chr13:32,330,993, C deleted. VCF-style (leftmost placement, unchanged base first): chr13-32330992-AC-A. GRCh37 (hg19) VCF-style: chr13-32905129-AC-A.
Other names: c.756del, p.Asp252fs (NM_001406719.1, NM_001406720.1, NM_001406721.1); c.387del, p.Asp129fs (NM_001406722.1); short protein forms D129fs, D252fs.
Identifiers: ClinVar variation 2774876 (VCV002774876.2), dbSNP rs2548518047, ClinGen allele CA2697551716.
Genomic context (GRCh38, chr13:32,330,992, plus strand): 5'-ATTTTTCCAATCATGATGAAAGTCTGAAGAAAAATGATAGATTTATCGCTTCTGTGACAG[AC>A]AGTGAAAACACAAATCAAAGAGAAGCTGCAAGTCATGGTAAGTCCTCTGTTTAGTTGAAC-3'

ClinVar aggregate classification (germline): Pathogenic (1 of 4 stars; one submission).

Conditions:
Hereditary cancer-predisposing syndrome. Also called: Neoplastic Syndromes, Hereditary; Tumor predisposition; Hereditary Cancer Syndrome; Hereditary neoplastic syndrome. Identifiers: Orphanet 140162, MedGen C0027672, MeSH D009386, MONDO:0015356.

Submission:

Color Diagnostics, LLC DBA Color Health
Classification: Pathogenic for Hereditary cancer-predisposing syndrome. Last evaluated: 2022-11-07. Review status: criteria provided, single submitter. Criteria: ACMG Guidelines, 2015. Collection method: clinical testing. Allele origin: germline.
Comment: This variant deletes 1 nucleotide in exon 9 of the BRCA2 gene, creating a frameshift and premature translation stop signal. This variant is expected to result in an absent or non-functional protein product. To our knowledge, this variant has not been reported in individuals affected with BRCA2-related disorders in the literature. This variant has not been identified in the general population by the Genome Aggregation Database (gnomAD). Loss of BRCA2 function is a known mechanism of disease. Based on the available evidence, this variant is classified as Pathogenic.